The following is an entry in ClinVar:

ClinVar aggregate classification (germline): Pathogenic (1 of 4 stars; one submission).

Submission:

GeneDx
Classification: Pathogenic. Last evaluated: 2024-04-23. Review status: criteria provided, single submitter. Criteria: GeneDx Variant Classification Process June 2021. Collection method: clinical testing. Allele origin: germline. Affected: yes.
Comment: Occurs in the triple helical domain and replaces a glycine in a canonical Gly-X-Y repeat; missense substitution of a canonical glycine residue is expected to disrupt normal protein folding and function, and this is an established mechanism of disease (PMID: 34007986); Not observed at significant frequency in large population cohorts (gnomAD); In silico analysis supports that this missense variant has a deleterious effect on protein structure/function; Has not been previously published as pathogenic or benign to our knowledge; This variant is associated with the following publications: (PMID: 34007986)

NM_001844.5(COL2A1):c.2195G>A (p.Gly732Asp)

Gene: COL2A1 (collagen type II alpha 1 chain; minus strand). Cytogenetic location: 12q13.11.
Variant type: single nucleotide variant.
Coding change: c.2195G>A on transcript NM_001844.5 (MANE Select); coding-DNA position 2195, G replaced by A.
Protein change: p.Gly732Asp; replaces glycine 732 with aspartic acid.
Molecular consequence: missense variant.
Genome position (GRCh38, 1-based): chr12:47,982,608, C>T on the plus strand (G>A on the coding strand, the complement: COL2A1 is on the minus strand). VCF-style: chr12-47982608-C-T. GRCh37 (hg19) VCF-style: chr12-48376391-C-T.
Other names: c.1988G>A, p.Gly663Asp (NM_033150.3); short protein forms G732D, G663D.
Identifiers: ClinVar variation 546517 (VCV000546517.4), dbSNP rs1555166457, ClinGen allele CA384546365.